The following is an entry in ClinVar:

NM_022437.3(ABCG8):c.63+5G>A

Genes: ABCG5 (ATP binding cassette subfamily G member 5; minus strand), ABCG8 (ATP binding cassette subfamily G member 8; plus strand). Cytogenetic location: 2p21.
Variant type: single nucleotide variant.
Coding change: c.63+5G>A on transcript NM_022437.3 (MANE Select); 5 bases into the intron after coding-DNA position 63, G replaced by A.
Molecular consequence: intron variant.
Genome position (GRCh38, 1-based): chr2:43,839,121, G>A. VCF-style: chr2-43839121-G-A. GRCh37 (hg19) VCF-style: chr2-44066260-G-A.
Other names: c.63+5G>A (NM_001357321.2).
Identifiers: ClinVar variation 2165027 (VCV002165027.4), dbSNP rs1227591445, ClinGen allele CA532280646.
Genomic context (GRCh38, chr2:43,839,121, plus strand): 5'-GGAAGGCGGCAGAGGAGAGAGGGCTGCCGAAAGGGGCCACTCCCCAGGATACCTCGGTGA[G>A]TGAGCAATGGGAAGTCGGCCCAGGCCTGGTGGGCGGGTAGGAGAAATCAAACCTTTCTCT-3'

ClinVar aggregate classification (germline): Uncertain significance (1 of 4 stars; one submission).

Allele frequency attached by ClinVar (database versions not stated): gnomAD exomes below 0.00001.
gnomAD v4.1: 1 of 1,551,188 alleles (0.000064%); highest among the groups gnomAD compares: Non-Finnish European, 0.000087%; no homozygotes.

Submission:

Labcorp Genetics (formerly Invitae), Labcorp
Classification: Uncertain significance. Last evaluated: 2022-07-03. Review status: criteria provided, single submitter. Criteria: Invitae Variant Classification Sherloc (09022015). Collection method: clinical testing. Allele origin: germline.
Comment: In summary, the available evidence is currently insufficient to determine the role of this variant in disease. Therefore, it has been classified as a Variant of Uncertain Significance. Variants that disrupt the consensus splice site are a relatively common cause of aberrant splicing (PMID: 17576681, 9536098). Algorithms developed to predict the effect of sequence changes on RNA splicing suggest that this variant may create or strengthen a splice site. This variant has not been reported in the literature in individuals affected with ABCG8-related conditions. This variant is present in population databases (no rsID available, gnomAD 0.002%). This sequence change falls in intron 1 of the ABCG8 gene. It does not directly change the encoded amino acid sequence of the ABCG8 protein. It affects a nucleotide within the consensus splice site.

Literature cited by the submitters: PubMed 17576681; PubMed 9536098.